The following is an entry in ClinVar:

NM_000540.3(RYR1):c.957+4A>C

Gene: RYR1 (ryanodine receptor 1; plus strand). Cytogenetic location: 19q13.2.
Variant type: single nucleotide variant.
Coding change: c.957+4A>C on transcript NM_000540.3 (MANE Select); 4 bases into the intron after coding-DNA position 957, A replaced by C.
Molecular consequence: intron variant.
Genome position (GRCh38, 1-based): chr19:38,448,515, A>C. VCF-style: chr19-38448515-A-C. GRCh37 (hg19) VCF-style: chr19-38939155-A-C.
Other names: c.957+4A>C (NM_001042723.2).
Identifiers: ClinVar variation 3071586 (VCV003071586.1), dbSNP rs1440452020, ClinGen allele CA882054769.

ClinVar aggregate classification (germline): Uncertain significance (1 of 4 stars; one submission).

Conditions:
Malignant hyperthermia, susceptibility to, 1 (MHS1). Also called: Anesthesia related hyperthermia; Malignant hyperpyrexia; Fulminating hyperpyrexia; Pharmacogenic myopathy; RYR1-Related Malignant Hyperthermia Susceptibility; Malignant hyperthermia suceptibility 1. Identifiers: Orphanet 423, MedGen C2930980, MONDO:0007783, OMIM 145600.

Allele frequency attached by ClinVar (database versions not stated): TOPMed 0.00001.
gnomAD v4.1: 2 of 1,612,210 alleles (0.00012%); highest among the groups gnomAD compares: Non-Finnish European, 0.00017%; no homozygotes.

Submission:

All of Us Research Program, National Institutes of Health
Classification: Uncertain significance for Malignant hyperthermia, susceptibility to, 1. Last evaluated: 2023-06-08. Review status: criteria provided, single submitter. Criteria: ACMG Guidelines, 2015. Collection method: clinical testing. Allele origin: germline. Inheritance: Autosomal dominant inheritance. Observed: 1 variant allele, 1 heterozygote.
Comment: This variant causes an A to C nucleotide substitution at the +4 position of intron 10 of the RYR1 gene. To our knowledge, functional studies have not been reported for this variant. This variant has not been reported in individuals affected with RYR1-related disorders in the literature. This variant has not been identified in the general population by the Genome Aggregation Database (gnomAD). The available evidence is insufficient to determine the role of this variant in disease conclusively. Therefore, this variant is classified as a Variant of Uncertain Significance.

This study involves interpretation of variants in research participants for the purpose of population health screening. Participant phenotype was not available at the time of variant classification. Additional details can be found in publication PMID: 35346344, PMCID: PMC8962531